The following is an entry in ClinVar:

ClinVar aggregate classification (germline): Uncertain significance. Review status: criteria provided, multiple submitters, no conflicts (2 of 4 stars). 3 submissions from 3 submitters: Uncertain significance (3). Last evaluated 2025-02-07.

Conditions:
Exudative vitreoretinopathy 4 (EVR4). Identifiers: Orphanet 891, MedGen C1866176, MONDO:0011151, OMIM 601813.
Worth disease. Also called: ENDOSTEAL HYPEROSTOSIS, AUTOSOMAL DOMINANT; OSTEOSCLEROSIS, AUTOSOMAL DOMINANT; Autosomal dominant osteosclerosis, Worth type. Identifiers: Orphanet 2790, MedGen C0432273, MONDO:0007764, OMIM 144750.
Autosomal dominant osteopetrosis 1 (OPTA1). Also called: OSTEOPETROSIS, AUTOSOMAL DOMINANT, TYPE I. Identifiers: Orphanet 2783, MedGen C1843330, MONDO:0011877, OMIM 607634.
Polycystic liver disease 4 with or without kidney cysts. Identifiers: MedGen C4693479, MONDO:0044327, OMIM 617875.
Bone mineral density quantitative trait locus 1 (BMND1). Identifiers: MedGen C1866079, OMIM 601884.
Osteoporosis with pseudoglioma (OPPG). Also called: osteoporosis-pseudoglioma syndrome. Identifiers: Orphanet 2788, MedGen C0432252, MONDO:0009820, OMIM 259770.
LRP5-related disorder. Also called: LRP5-related condition.
Inborn genetic diseases. Identifiers: MedGen C0950123, MeSH D030342.

Allele frequency attached by ClinVar (database versions not stated): gnomAD exomes 0.00001; TOPMed 0.00001; ExAC 0.00002.
gnomAD v4.1: 9 of 1,613,746 alleles (0.00056%); highest among the groups gnomAD compares: Admixed American, 0.012%; no homozygotes.

Submissions (3):

PreventionGenetics, part of Exact Sciences
Classification: Uncertain significance for LRP5-related condition. Last evaluated: 2025-02-07. Review status: criteria provided, single submitter. Criteria: ACMG Guidelines, 2015. Collection method: clinical testing. Allele origin: germline.
Comment: The LRP5 c.2389A>G variant is predicted to result in the amino acid substitution p.Met797Val. To our knowledge, this variant has not been reported in the literature. This variant is reported in 0.020% of alleles in individuals of Latino descent in gnomAD. At this time, the clinical significance of this variant is uncertain due to the absence of conclusive functional and genetic evidence.

Fulgent Genetics
Classification: Uncertain significance for Worth disease; Osteoporosis with pseudoglioma; Exudative vitreoretinopathy 4; Bone mineral density quantitative trait locus 1; Autosomal dominant osteopetrosis 1; Polycystic liver disease 4 with or without kidney cysts. Last evaluated: 2024-04-24. Review status: criteria provided, single submitter. Criteria: ACMG Guidelines, 2015. Collection method: clinical testing. Allele origin: germline.

Ambry Genetics
Classification: Uncertain significance for Inborn genetic diseases. Last evaluated: 2022-07-27. Review status: criteria provided, single submitter. Criteria: Ambry Variant Classification Scheme 2023. Collection method: clinical testing. Allele origin: germline.

NM_002335.4(LRP5):c.2389A>G (p.Met797Val)

Gene: LRP5 (LDL receptor related protein 5; plus strand). Cytogenetic location: 11q13.2.
Variant type: single nucleotide variant.
Coding change: c.2389A>G on transcript NM_002335.4 (MANE Select); coding-DNA position 2389, A replaced by G.
Protein change: p.Met797Val; replaces methionine 797 with valine.
Molecular consequence: missense variant.
Genome position (GRCh38, 1-based): chr11:68,411,506, A>G. VCF-style: chr11-68411506-A-G. GRCh37 (hg19) VCF-style: chr11-68178974-A-G.
Other names: c.646A>G, p.Met216Val (NM_001291902.2); c.2389A>G (NM_002335.3); short protein forms M797V, M216V.
Identifiers: ClinVar variation 2303938 (VCV002303938.4), dbSNP rs775727748, ClinGen allele CA6149621.